The following is an entry in ClinVar:

ClinVar aggregate classification (germline): Uncertain significance (1 of 4 stars; one submission).

gnomAD v4.1: 3 of 1,566,230 alleles (0.00019%); highest among the groups gnomAD compares: Non-Finnish European, 0.00026%; no homozygotes.

Submission:

GeneDx
Classification: Uncertain significance. Last evaluated: 2024-06-10. Review status: criteria provided, single submitter. Criteria: GeneDx Variant Classification Process June 2021. Collection method: clinical testing. Allele origin: germline. Affected: yes.
Comment: Not observed at significant frequency in large population cohorts (gnomAD); In silico analysis supports that this missense variant has a deleterious effect on protein structure/function; Has not been previously published as pathogenic or benign to our knowledge

NM_080680.3(COL11A2):c.1465C>T (p.Pro489Ser)

Gene: COL11A2 (collagen type XI alpha 2 chain; minus strand). Cytogenetic location: 6p21.32.
Variant type: single nucleotide variant.
Coding change: c.1465C>T on transcript NM_080680.3 (MANE Select); coding-DNA position 1465, C replaced by T.
Protein change: p.Pro489Ser; replaces proline 489 with serine.
Molecular consequence: missense variant.
Genome position (GRCh38, 1-based): chr6:33,179,469, G>A on the plus strand (C>T on the coding strand, the complement: COL11A2 is on the minus strand). VCF-style: chr6-33179469-G-A. GRCh37 (hg19) VCF-style: chr6-33147246-G-A.
Other names: c.1285C>T, p.Pro429Ser (NM_001424108.1); c.619C>T, p.Pro207Ser (NM_001424109.1); c.439C>T, p.Pro147Ser (NM_001424110.1, NM_001424111.1); c.1144C>T, p.Pro382Ser (NM_080679.3); c.1207C>T, p.Pro403Ser (NM_080681.3); short protein forms P147S, P207S, P382S, P403S, P429S, P489S.
Identifiers: ClinVar variation 3390708 (VCV003390708.1).